The following is an entry in ClinVar:

ClinVar aggregate classification (germline): Uncertain significance (1 of 4 stars; one submission).

Allele frequency attached by ClinVar (database versions not stated): gnomAD 0.00001; ExAC 0.00002; ESP Exome Variant Server 0.00008.
gnomAD v4.1: 58 of 1,614,048 alleles (0.0036%); highest among the groups gnomAD compares: African/African-American, 0.0067%; no homozygotes.

Submission:

Labcorp Genetics (formerly Invitae), Labcorp
Classification: Uncertain significance. Last evaluated: 2022-03-12. Review status: criteria provided, single submitter. Criteria: Invitae Variant Classification Sherloc (09022015). Collection method: clinical testing. Allele origin: germline.
Comment: In summary, the available evidence is currently insufficient to determine the role of this variant in disease. Therefore, it has been classified as a Variant of Uncertain Significance. Algorithms developed to predict the effect of missense changes on protein structure and function are either unavailable or do not agree on the potential impact of this missense change (SIFT: "Deleterious"; PolyPhen-2: "Probably Damaging"; Align-GVGD: "Class C15"). This variant has not been reported in the literature in individuals affected with KANK1-related conditions. This variant is present in population databases (rs369238209, gnomAD 0.03%). This sequence change replaces arginine, which is basic and polar, with tryptophan, which is neutral and slightly polar, at codon 1246 of the KANK1 protein (p.Arg1246Trp).

NM_015158.5(KANK1):c.3736C>T (p.Arg1246Trp)

Gene: KANK1 (KN motif and ankyrin repeat domains 1; plus strand). Cytogenetic location: 9p24.3.
Variant type: single nucleotide variant.
Coding change: c.3736C>T on transcript NM_015158.5 (MANE Select); coding-DNA position 3736, C replaced by T.
Protein change: p.Arg1246Trp; replaces arginine 1246 with tryptophan.
Molecular consequence: missense variant. On other transcripts: non-coding transcript variant (1).
Genome position (GRCh38, 1-based): chr9:742,244, C>T. VCF-style: chr9-742244-C-T. GRCh37 (hg19) VCF-style: chr9-742244-C-T.
Other names: c.3736C>T, p.Arg1246Trp (NM_001256876.3, NM_001256877.3, NM_001354334.2); c.3496C>T, p.Arg1166Trp (NM_001354331.2); c.3682C>T, p.Arg1228Trp (NM_001354332.2); c.3262C>T, p.Arg1088Trp (NM_001354333.2, NM_001354335.2, NM_001354337.2 and 2 more transcripts); c.2968C>T, p.Arg990Trp (NM_001354336.2); c.3208C>T, p.Arg1070Trp (NM_001354338.2, NM_001354340.2, NM_001354344.2); c.3022C>T, p.Arg1008Trp (NM_001354339.2, NM_001354342.2, NM_001354343.2); short protein forms R1166W, R1228W, R1008W, R990W, R1070W, R1246W, R1088W.
Identifiers: ClinVar variation 2084211 (VCV002084211.4), dbSNP rs369238209, ClinGen allele CA4961156.